The following is an entry in ClinVar:

NM_000420.3(KEL):c.575G>A (p.Arg192Gln)

Gene: KEL (Kell metallo-endopeptidase (Kell blood group); minus strand). Cytogenetic location: 7q34.
Variant type: single nucleotide variant.
Coding change: c.575G>A on transcript NM_000420.3 (MANE Select); coding-DNA position 575, G replaced by A.
Protein change: p.Arg192Gln; replaces arginine 192 with glutamine.
Molecular consequence: missense variant.
Genome position (GRCh38, 1-based): chr7:142,957,924, C>T on the plus strand (G>A on the coding strand, the complement: KEL is on the minus strand). VCF-style: chr7-142957924-C-T. GRCh37 (hg19) VCF-style: chr7-142655011-C-T.
Other names: short protein forms R192Q.
Identifiers: ClinVar variation 1184986 (VCV001184986.2), dbSNP rs754663945, ClinGen allele CA4534546.

ClinVar aggregate classification (germline): Affects (0 of 4 stars; one submission).

Conditions:
Kell blood group system (KEL). Also called: BLOOD GROUP--KELL-CELLANO SYSTEM; K(0); Ko. Identifiers: MedGen C0022546, OMIM 110900.

Allele frequency attached by ClinVar (database versions not stated): TOPMed 0.00002; ExAC 0.00007.
gnomAD v4.1: 42 of 1,614,064 alleles (0.0026%); highest among the groups gnomAD compares: Middle Eastern, 0.016%; 1 homozygote.

Submission:

Australian Red Cross Blood Service
Classification: Affects for Kell blood group system. Last evaluated: 2021-07-01. Review status: no assertion criteria provided. Collection method: research. Allele origin: inherited. Inheritance: Codominant.
Comment: sample had unidentified antibody reactive with all panel cells by column agglutination technology. This snp c.575G>A (p.R192Q) was present at a homozygous level. Two other known snps at this same amino acid position are responsible for a Ko phenotype (p.R192X) and a Kmod phenotype (p.R192P). We therefore propose that p.R192Q is also causing an altered Kell phenotype.